The following is an entry in ClinVar:

ClinVar aggregate classification (germline): Pathogenic (1 of 4 stars; one submission).

Conditions:
Hereditary cancer-predisposing syndrome. Also called: Neoplastic Syndromes, Hereditary; Tumor predisposition; Hereditary Cancer Syndrome; Hereditary neoplastic syndrome. Identifiers: Orphanet 140162, MedGen C0027672, MeSH D009386, MONDO:0015356.

Submission:

Ambry Genetics
Classification: Pathogenic for Hereditary cancer-predisposing syndrome. Last evaluated: 2019-04-15. Review status: criteria provided, single submitter. Criteria: Ambry Variant Classification Scheme 2023. Collection method: clinical testing. Allele origin: germline.
Comment: The p.Ala241[25] pathogenic mutation, located in coding exon 3 of the PHOX2B gene, results from an expansion of the polyalanine repeat region from 20 to 25 repeats. This expansion mutation is associated with congenital central hypoventilation syndrome (Amiel J et al. Nat. Genet., 2003 Apr;33:459-61; Matera I et al. J. Med. Genet., 2004 May;41:373-80). Based on the supporting evidence, this alteration is interpreted as a disease-causing mutation.

Literature cited by the submitters: PubMed 12640453; PubMed 15121777.

NM_003924.4(PHOX2B):c.732_746dup (p.Ala260_Gly261insAlaAlaAlaAlaAla)

Genes: PHOX2B (paired like homeobox 2B; minus strand), LOC110011216 (paired like homeobox 2b polyalanine repeat instability region; plus strand). Cytogenetic location: 4p13.
Variant type: Duplication.
Coding change: c.732_746dup on transcript NM_003924.4 (MANE Select); coding-DNA positions 732 to 746, 15 bases duplicated (GGCGGCGGCCGCGGC).
Protein change: p.Ala260_Gly261insAlaAlaAlaAlaAla.
Molecular consequence: inframe insertion. On other transcripts: inframe indel (1).
Genome position (GRCh38, 1-based): chr4:41,746,006-41,746,020, GCCGCGGCCGCCGCC duplicated on the plus strand (GGCGGCGGCCGCGGC on the coding strand, the reverse complement: PHOX2B is on the minus strand); duplicating any 15 consecutive bases within chr4:41,746,006-41,746,022 gives the same sequence; the c. name uses the placement nearest the transcript's 3' end. VCF-style (leftmost placement, unchanged base first): chr4-41746005-T-TGCCGCGGCCGCCGCC. GRCh37 (hg19) VCF-style: chr4-41748022-T-TGCCGCGGCCGCCGCC.
Other names: c.732_746dupGGCGGCGGCCGCGGC (NM_003924.3).
Identifiers: ClinVar variation 1758319 (VCV001758319.2), dbSNP rs1553897780, ClinGen allele CA2580071007.